The following is an entry in ClinVar:

NM_007272.3(CTRC):c.644A>G (p.Asp215Gly)

Gene: CTRC (chymotrypsin C; plus strand). Cytogenetic location: 1p36.21.
Variant type: single nucleotide variant.
Coding change: c.644A>G on transcript NM_007272.3 (MANE Select); coding-DNA position 644, A replaced by G.
Protein change: p.Asp215Gly; replaces aspartic acid 215 with glycine.
Molecular consequence: missense variant.
Genome position (GRCh38, 1-based): chr1:15,445,601, A>G. VCF-style: chr1-15445601-A-G. GRCh37 (hg19) VCF-style: chr1-15772096-A-G.
Other names: short protein forms D215G.
Identifiers: ClinVar variation 4560050 (VCV004560050.1).

ClinVar aggregate classification (germline): Uncertain significance (1 of 4 stars; one submission).

Conditions:
Hereditary pancreatitis (PCTT). Also called: Hereditary chronic pancreatitis; PRSS1-Related Hereditary Pancreatitis. Identifiers: Orphanet 676, MedGen C0238339, MONDO:0008185, OMIM 167800.

Submission:

Ambry Genetics
Classification: Uncertain significance for Hereditary pancreatitis. Last evaluated: 2025-12-11. Review status: criteria provided, single submitter. Criteria: Ambry Variant Classification Scheme 2023. Collection method: clinical testing. Allele origin: germline.
Comment: The p.D215G variant (also known as c.644A>G), located in coding exon 7 of the CTRC gene, results from an A to G substitution at nucleotide position 644. The aspartic acid at codon 215 is replaced by glycine, an amino acid with similar properties. This amino acid position is conserved. In addition, this alteration is predicted to be deleterious by in silico analysis. Based on the available evidence, the clinical significance of this variant remains unclear.